The following is an entry in ClinVar:

ClinVar aggregate classification (germline): Uncertain significance (1 of 4 stars; one submission).

Conditions:
Familial cancer of breast. Also called: BREAST CANCER, FAMILIAL; Hereditary breast cancer; hereditary breast carcinoma. Identifiers: Orphanet 227535, MedGen C0346153, MONDO:0016419, OMIM 114480. Disease mechanism: loss of function.

Submission:

Labcorp Genetics (formerly Invitae), Labcorp
Classification: Uncertain significance for Familial cancer of breast. Last evaluated: 2019-12-03. Review status: criteria provided, single submitter. Criteria: Invitae Variant Classification Sherloc (09022015). Collection method: clinical testing. Allele origin: germline.
Comment: In summary, the exact genomic location of this variant is unknown and the impact of this duplication on PALB2 protein function has not been established. Therefore, it has been classified as a Variant of Uncertain Significance. Experimental studies and prediction algorithms are not available for this variant, and the functional significance of this duplication is currently unknown. This variant has not been reported in the literature in individuals with a PALB2-related disease. This variant is a gross duplication of the genomic region encompassing exons 1-4 of the PALB2 gene. The 5' end of this event is unknown as it extends beyond the assayed region for this gene and therefore may encompass additional genes. The 3' boundary is likely confined to intron 4 of the PALB2 gene.

NC_000016.10:g.(?_23634852)_(23641157_?)dup

Gene: PALB2 (partner and localizer of BRCA2; minus strand). Cytogenetic location: 16p12.2.
Variant type: Duplication.
Identifiers: ClinVar variation 831350 (VCV000831350.9).